The following is an entry in ClinVar:

NM_001113378.2(FANCI):c.3272A>G (p.Gln1091Arg)

Gene: FANCI (FA complementation group I; plus strand). Cytogenetic location: 15q26.1.
Variant type: single nucleotide variant.
Coding change: c.3272A>G on transcript NM_001113378.2 (MANE Select); coding-DNA position 3272, A replaced by G.
Protein change: p.Gln1091Arg; replaces glutamine 1091 with arginine.
Molecular consequence: missense variant.
Genome position (GRCh38, 1-based): chr15:89,305,621, A>G. VCF-style: chr15-89305621-A-G. GRCh37 (hg19) VCF-style: chr15-89848852-A-G.
Other names: c.2993A>G, p.Gln998Arg (NM_001376910.1); c.3272A>G, p.Gln1091Arg (NM_001376911.1); c.3092A>G, p.Gln1031Arg (NM_018193.3); short protein forms Q1031R, Q1091R, Q998R.
Identifiers: ClinVar variation 1692561 (VCV001692561.4), dbSNP rs2054689057, ClinGen allele CA393739859.

ClinVar aggregate classification (germline): Uncertain significance. Review status: criteria provided, multiple submitters, no conflicts (2 of 4 stars). 3 submissions from 3 submitters: Uncertain significance (3). Last evaluated 2024-04-15.

Conditions:
Fanconi anemia (FA). Also called: Fanconi's anemia. Identifiers: Orphanet 84, MedGen C0015625, MeSH D005199, MONDO:0019391.
Fanconi anemia complementation group I (FANCI). Also called: FANCI-Related Fanconi Anemia. Identifiers: Orphanet 84, MedGen C1836861, MONDO:0012186, OMIM 609053.

Submissions (3):

Labcorp Genetics (formerly Invitae), Labcorp
Classification: Uncertain significance for Fanconi anemia. Last evaluated: 2024-04-15. Review status: criteria provided, single submitter. Criteria: Invitae Variant Classification Sherloc (09022015). Collection method: clinical testing. Allele origin: germline.
Comment: This sequence change replaces glutamine, which is neutral and polar, with arginine, which is basic and polar, at codon 1091 of the FANCI protein (p.Gln1091Arg). This variant is not present in population databases (gnomAD no frequency). This variant has not been reported in the literature in individuals affected with FANCI-related conditions. ClinVar contains an entry for this variant (Variation ID: 1692561). An algorithm developed to predict the effect of missense changes on protein structure and function (PolyPhen-2) suggests that this variant is likely to be tolerated. In summary, the available evidence is currently insufficient to determine the role of this variant in disease. Therefore, it has been classified as a Variant of Uncertain Significance.

Sema4
Classification: Uncertain significance for Fanconi anemia. Last evaluated: 2022-01-31. Review status: criteria provided, single submitter. Criteria: Sema4 Curation Guidelines. Collection method: curation. Allele origin: germline.
Comment: The FANCI c.3272A>G (p.Q1091R) variant has not been reported in the literature to our knowledge. This variant is not reported in the population database Genome Aggregation Database (PMID: 32461654). The variant has not been reported in ClinVar. Functional studies have not been performed, and in silico predictions of the variant's effect on protein function are inconclusive. The evidence is insufficient to meet ACMG/AMP criteria for classifying the variant as benign or pathogenic. Thus, the clinical significance of this variant is currently uncertain.

Fulgent Genetics
Classification: Uncertain significance for Fanconi anemia complementation group I. Last evaluated: 2021-09-22. Review status: criteria provided, single submitter. Criteria: ACMG Guidelines, 2015. Collection method: clinical testing. Allele origin: unknown.